The following is an entry in ClinVar:

ClinVar aggregate classification (germline): Uncertain significance (1 of 4 stars; one submission).

Submission:

Labcorp Genetics (formerly Invitae), Labcorp
Classification: Uncertain significance. Last evaluated: 2022-09-07. Review status: criteria provided, single submitter. Criteria: Invitae Variant Classification Sherloc (09022015). Collection method: clinical testing. Allele origin: germline.
Comment: In summary, the available evidence is currently insufficient to determine the role of this variant in disease. Therefore, it has been classified as a Variant of Uncertain Significance. Algorithms developed to predict the effect of sequence changes on RNA splicing suggest that this variant may disrupt the consensus splice site. This variant has not been reported in the literature in individuals affected with PTDSS1-related conditions. This variant is not present in population databases (gnomAD no frequency). This sequence change falls in intron 11 of the PTDSS1 gene. It does not directly change the encoded amino acid sequence of the PTDSS1 protein.

NM_014754.3(PTDSS1):c.1243-13TC[2]

Gene: PTDSS1 (phosphatidylserine synthase 1; plus strand). Cytogenetic location: 8q22.1.
Variant type: Microsatellite.
Coding change: c.1243-13TC[2] on transcript NM_014754.3 (MANE Select); two copies in a row of the 2-base unit TC starting at c.1243-13; the reference has four copies in a row; two copies, 4 bases deleted.
Molecular consequence: intron variant.
Genome position (GRCh38, 1-based): chr8:96,331,017-96,331,020, TCTC deleted; deleting any 4 consecutive bases within chr8:96,331,013-96,331,020 gives the same sequence; the position shown is the placement nearest the transcript's 3' end. VCF-style (leftmost placement, unchanged base first): chr8-96331012-GTCTC-G. GRCh37 (hg19) VCF-style: chr8-97343240-GTCTC-G.
Other names: c.805-13TC[2] (NM_001290225.2).
Identifiers: ClinVar variation 2073636 (VCV002073636.4), dbSNP rs2488208408, ClinGen allele CA2579211862.
Genomic context (GRCh38, chr8:96,331,012, plus strand): 5'-GCTCGCCTTTTTGCCCTGCCACTTCTCCCAGGGAGTTCCTAAAATTCCTGCACTAAGCCT[GTCTC>G]TCTCCCTAGACCTACTCGGAGTGTGAAGATGGCACCTACAGTCCAGAGATCTCCTGGCAT-3'